The following is an entry in ClinVar:

NM_000324.3(RHAG):c.1139-8C>T

Gene: RHAG (Rh associated glycoprotein; minus strand). Cytogenetic location: 6p12.3.
Variant type: single nucleotide variant.
Coding change: c.1139-8C>T on transcript NM_000324.3 (MANE Select); 8 bases into the intron before coding-DNA position 1139, C replaced by T.
Molecular consequence: intron variant.
Genome position (GRCh38, 1-based): chr6:49,606,929, G>A on the plus strand (C>T on the coding strand, the complement: RHAG is on the minus strand). VCF-style: chr6-49606929-G-A. GRCh37 (hg19) VCF-style: chr6-49574642-G-A.
Identifiers: ClinVar variation 3050561 (VCV003050561.3), dbSNP rs371138091, ClinGen allele CA3847711.

ClinVar aggregate classification (germline): Likely benign. Review status: criteria provided, single submitter (1 of 4 stars). 2 submissions from 2 submitters: Likely benign (1). 1 of the submissions does not count toward it. Last evaluated 2024-09-10.

Conditions:
RHAG-related disorder. Also called: RHAG-related condition.

Allele frequency attached by ClinVar (database versions not stated): TOPMed 0.00003; gnomAD 0.00005; gnomAD exomes 0.00005; ExAC 0.00008; ESP Exome Variant Server 0.00008.
gnomAD v4.1: 84 of 1,600,540 alleles (0.0052%); highest among the groups gnomAD compares: Middle Eastern, 0.017%; no homozygotes.

Submissions (2):

Blueprint Genetics
Classification: Likely benign. Last evaluated: 2024-09-10. Review status: criteria provided, single submitter. Criteria: ACMG Guidelines, 2015. Collection method: clinical testing. Allele origin: germline.

PreventionGenetics, part of Exact Sciences
Classification: Likely benign for RHAG-related condition. Last evaluated: 2019-07-11. Review status: no assertion criteria provided. Collection method: clinical testing. Allele origin: germline. Not counted in ClinVar's aggregate classification.
Comment: This variant is classified as likely benign based on ACMG/AMP sequence variant interpretation guidelines (Richards et al. 2015 PMID: 25741868, with internal and published modifications).